The following is an entry in ClinVar:

ClinVar aggregate classification (germline): Uncertain significance (1 of 4 stars; one submission).

Conditions:
Charcot-Marie-Tooth disease type 2. Also called: Charcot-Marie-Tooth type 2. Identifiers: Orphanet 64746, MedGen C0270914, MONDO:0018993.

gnomAD v4.1: 1 of 1,610,894 alleles (0.000062%); highest among the groups gnomAD compares: Admixed American, 0.0017%; no homozygotes.

Submission:

Labcorp Genetics (formerly Invitae), Labcorp
Classification: Uncertain significance for Charcot-Marie-Tooth disease type 2. Last evaluated: 2020-01-23. Review status: criteria provided, single submitter. Criteria: Invitae Variant Classification Sherloc (09022015). Collection method: clinical testing. Allele origin: germline.
Comment: In summary, the available evidence is currently insufficient to determine the role of this variant in disease. Therefore, it has been classified as a Variant of Uncertain Significance. Algorithms developed to predict the effect of missense changes on protein structure and function (SIFT, PolyPhen-2, Align-GVGD) all suggest that this variant is likely to be disruptive, but these predictions have not been confirmed by published functional studies and their clinical significance is uncertain. This variant has not been reported in the literature in individuals with LMNA-related conditions. This variant is not present in population databases (ExAC no frequency). This sequence change replaces valine with leucine at codon 442 of the LMNA protein (p.Val442Leu). The valine residue is highly conserved and there is a small physicochemical difference between valine and leucine.

NM_170707.4(LMNA):c.1324G>C (p.Val442Leu)

Gene: LMNA (lamin A/C; plus strand). Cytogenetic location: 1q22.
Variant type: single nucleotide variant.
Coding change: c.1324G>C on transcript NM_170707.4 (MANE Select); coding-DNA position 1324, G replaced by C.
Protein change: p.Val442Leu; replaces valine 442 with leucine.
Molecular consequence: missense variant.
Genome position (GRCh38, 1-based): chr1:156,136,380, G>C. VCF-style: chr1-156136380-G-C. GRCh37 (hg19) VCF-style: chr1-156106171-G-C.
Other names: c.988G>C, p.Val330Leu (NM_001257374.3); c.1081G>C, p.Val361Leu (NM_001282624.2); c.1324G>C, p.Val442Leu (NM_001282625.2, NM_001282626.2, NM_005572.4 and 1 more transcripts); short protein forms V361L, V442L, V330L.
Identifiers: ClinVar variation 1042221 (VCV001042221.9), dbSNP rs368542816, ClinGen allele CA342821967.